The following is an entry in ClinVar:

ClinVar aggregate classification (germline): Uncertain significance (1 of 4 stars; one submission).

Allele frequency attached by ClinVar (database versions not stated): gnomAD 0.00001; TOPMed 0.00002.
gnomAD v4.1: 1 of 1,209,409 alleles (0.000083%); highest among the groups gnomAD compares: Admixed American, 0.0022%; no homozygotes.

Submission:

GeneDx
Classification: Uncertain significance. Last evaluated: 2021-06-22. Review status: criteria provided, single submitter. Criteria: GeneDx Variant Classification Process June 2021. Collection method: clinical testing. Allele origin: germline. Affected: yes.
Comment: Not observed at significant frequency in large population cohorts (Lek et al., 2016); Missense variants in this gene are often considered pathogenic (Stenson et al., 2014); In silico analysis supports that this missense variant does not alter protein structure/function; Has not been previously published as pathogenic or benign to our knowledge; This variant is associated with the following publications: (PMID: 27535533)

NM_000533.5(PLP1):c.387A>T (p.Gln129His)

Genes: PLP1 (proteolipid protein 1; plus strand), RAB9B (RAB9B, member RAS oncogene family; minus strand). Cytogenetic location: Xq22.2.
Variant type: single nucleotide variant.
Coding change: c.387A>T on transcript NM_000533.5 (MANE Select); coding-DNA position 387, A replaced by T.
Protein change: p.Gln129His; replaces glutamine 129 with histidine.
Molecular consequence: missense variant. On other transcripts: intron variant (1).
Genome position (GRCh38, 1-based): chrX:103,786,660, A>T. VCF-style: chrX-103786660-A-T. GRCh37 (hg19) VCF-style: chrX-103041589-A-T.
Other names: c.387A>T, p.Gln129His (NM_001128834.3); c.222A>T, p.Gln74His (NM_001305004.1); c.348+39A>T (NM_199478.3); short protein forms Q129H, Q74H.
Identifiers: ClinVar variation 1329803 (VCV001329803.2), dbSNP rs2074499797, ClinGen allele CA414102828.